The following is an entry in ClinVar:

NM_000441.2(SLC26A4):c.1439T>A (p.Val480Asp)

Gene: SLC26A4 (solute carrier family 26 member 4; plus strand). Cytogenetic location: 7q22.3.
Variant type: single nucleotide variant.
Coding change: c.1439T>A on transcript NM_000441.2 (MANE Select); coding-DNA position 1439, T replaced by A.
Protein change: p.Val480Asp; replaces valine 480 with aspartic acid.
Molecular consequence: missense variant.
Genome position (GRCh38, 1-based): chr7:107,695,934, T>A. VCF-style: chr7-107695934-T-A. GRCh37 (hg19) VCF-style: chr7-107336379-T-A.
Other names: c.1439T>A (NM_000441.1); short protein forms V480D.
Identifiers: ClinVar variation 1064674 (VCV001064674.4), dbSNP rs1314376649, ClinGen allele CA368841178.
Genomic context (GRCh38, chr7:107,695,934, plus strand): 5'-TCACATGATGGTACCTGATACATTAATATAATTCTTTTCATTTCTATTTTTTTCCCTAGG[T>A]TATCTGGGTGTTTACGTGTATAGTGTCCATCATTCTGGGGCTGGATCTCGGTTTACTAGC-3'
Protein context (NP_000432.1, residues 470-490): RLWRQNKIDA[Val480Asp]IWVFTCIVSI

ClinVar aggregate classification (germline): Conflicting classifications of pathogenicity. Review status: criteria provided, conflicting classifications (1 of 4 stars). 3 submissions from 3 submitters: Likely pathogenic (1); Uncertain significance (2). Last evaluated 2025-03-18.

Conditions:
Pendred syndrome (PDS). Also called: Pendred's syndrome; Pendred Syndrome (PDS); DEAFNESS WITH GOITER; GOITER-DEAFNESS SYNDROME; HYPOTHYROIDISM, CONGENITAL, DUE TO DYSHORMONOGENESIS, 2B; THYROID DYSHORMONOGENESIS 2B. Identifiers: Orphanet 705, MedGen C0271829, MONDO:0010134, OMIM 274600.

Submissions (3):

Women's Health and Genetics/Laboratory Corporation of America, LabCorp
Classification: Uncertain significance. Last evaluated: 2025-03-18. Review status: criteria provided, single submitter. Criteria: LabCorp Variant Classification Summary - May 2015. Collection method: clinical testing. Allele origin: germline.
Comment: Variant summary: SLC26A4 c.1439T>A (p.Val480Asp) results in a non-conservative amino acid change located in the SLC26A/SulP transporter domain (IPR011547) of the encoded protein sequence. Five of five in-silico tools predict a damaging effect of the variant on protein function. Consensus agreement among computation tools predict no significant impact on normal splicing. However, these predictions have yet to be confirmed by functional studies. The variant was absent in 251364 control chromosomes. c.1439T>A has been reported in the literature as a biallelic compound heterozygous genotype in at-least one individual with features of Pendred syndrome with subsequent citations by others (example, Scott_2000, Campbell_2001, Gardner_2006, Gruber_2016, Dossena_2006, Pera_2008). These data do not allow any conclusion about variant significance. At least one publication reports experimental evidence evaluating an impact on protein function in Xenopus laevis oocytes (Scott_2000). The most pronounced variant effect results in a significantly lowered level of iodide and chloride transport as compared to wild-type (approximately 17-36%). However, this decrease in transport was restored/amplified with increased expression of the variant protein, indicating a retention of the ability to transport anions. ClinVar contains an entry for this variant (Variation ID: 1064674). The following publications have been ascertained in the context of this evaluation (PMID: 16950989, 27466889, 10861298, 11317356, 16791000, 19017801). Based on the evidence outlined above, the variant was classified as VUS-possibly pathogenic.

Mendelics
Classification: Likely pathogenic for Pendred syndrome. Last evaluated: 2022-05-04. Review status: criteria provided, single submitter. Criteria: Mendelics Assertion Criteria 2019. Collection method: clinical testing. Allele origin: germline.

NxGen MDx
Classification: Uncertain significance for Pendred syndrome. Last evaluated: 2021-03-26. Review status: criteria provided, single submitter. Criteria: ACMG Guidelines, 2015. Collection method: clinical testing. Allele origin: unknown.
Comment: This missense variant (c.1439T>A) in the first codon of exon 13 on SLC26A4 results in a similarly sized residue but changes from nonpolar to negatively charged (p.Val480Asp). This variant is not found in gnomAD exomes (PM2) and has been predicted to be pathogenic by numerous in silico models (PP3). This variant was first reported in Scott et al., PMID 10861298, in trans with L236P in a patient presenting non-syndromic hearing loss. Functional assessment of V480D in Xenopus laevis oocytes in the same report indicated significant residual activity that increased proportionally with V480D protein concentration.

Literature cited by the submitters: PubMed 16950989 (cited by Women's Health and Genetics/Laboratory Corporation of America, LabCorp); PubMed 27466889 (cited by Women's Health and Genetics/Laboratory Corporation of America, LabCorp); PubMed 10861298 (cited by Women's Health and Genetics/Laboratory Corporation of America, LabCorp and NxGen MDx); PubMed 11317356 (cited by Women's Health and Genetics/Laboratory Corporation of America, LabCorp); PubMed 16791000 (cited by Women's Health and Genetics/Laboratory Corporation of America, LabCorp); PubMed 19017801 (cited by Women's Health and Genetics/Laboratory Corporation of America, LabCorp).